The following is an entry in ClinVar:

ClinVar aggregate classification (germline): Uncertain significance (1 of 4 stars; one submission).

Submission:

GeneDx
Classification: Uncertain significance. Last evaluated: 2026-02-14. Review status: criteria provided, single submitter. Criteria: GeneDx Variant Classification Process June 2021. Collection method: clinical testing. Allele origin: germline.
Comment: Not observed at significant frequency in large population cohorts (gnomAD); In silico analysis supports that this missense variant has a deleterious effect on protein structure/function; Has not been previously published as pathogenic or benign to our knowledge

NM_001458.5(FLNC):c.5065G>A (p.Glu1689Lys)

Gene: FLNC (filamin C; plus strand). Cytogenetic location: 7q32.1.
Variant type: single nucleotide variant.
Coding change: c.5065G>A on transcript NM_001458.5 (MANE Select); coding-DNA position 5065, G replaced by A.
Protein change: p.Glu1689Lys; replaces glutamic acid 1689 with lysine.
Molecular consequence: missense variant.
Genome position (GRCh38, 1-based): chr7:128,849,444, G>A. VCF-style: chr7-128849444-G-A. GRCh37 (hg19) VCF-style: chr7-128489498-G-A.
Other names: c.5065G>A, p.Glu1689Lys (NM_001127487.2); short protein forms E1689K.
Identifiers: ClinVar variation 4975947 (VCV004975947.1).